The following is an entry in ClinVar:

ClinVar aggregate classification (germline): Uncertain significance. Review status: criteria provided, multiple submitters, no conflicts (2 of 4 stars). 2 submissions from 2 submitters: Uncertain significance (2). Last evaluated 2024-11-04.

Conditions:
Hereditary cancer-predisposing syndrome. Also called: Tumor predisposition; Hereditary neoplastic syndrome; Neoplastic Syndromes, Hereditary; Hereditary Cancer Syndrome. Identifiers: Orphanet 140162, MedGen C0027672, MeSH D009386, MONDO:0015356.
Oligodontia-cancer predisposition syndrome. Also called: TOOTH AGENESIS-COLORECTAL CANCER SYNDROME. Identifiers: Orphanet 300576, MedGen C1837750, MONDO:0012075, OMIM 608615. Disease mechanism: loss of function.

Submissions (2):

Ambry Genetics
Classification: Uncertain significance for Hereditary cancer-predisposing syndrome. Last evaluated: 2024-11-04. Review status: criteria provided, single submitter. Criteria: Ambry Variant Classification Scheme 2023. Collection method: clinical testing. Allele origin: germline.
Comment: The p.M1? variant (also known as c.1A>G), located in coding exon 1 of the AXIN2 gene, results from an A to G substitution at nucleotide position 1. This alters the methionine residue at the initiation codon (ATG). Variations that modify the initiation codon (ATG) are expected to result in either loss of translation initiation, N-terminal truncation, or cause a shift in the mRNA reading frame; however, there is an in-frame methionine 4 amino acids from the initiation site, which may result in N-terminal truncation of unknown functional significance. Based on the available evidence, the clinical significance of this variant remains unclear.

Labcorp Genetics (formerly Invitae), Labcorp
Classification: Uncertain significance for Oligodontia-cancer predisposition syndrome. Last evaluated: 2024-02-14. Review status: criteria provided, single submitter. Criteria: Invitae Variant Classification Sherloc (09022015). Collection method: clinical testing. Allele origin: germline.
Comment: This sequence change affects the initiator methionine of the AXIN2 mRNA. The next in-frame methionine is located at codon 5. This variant is not present in population databases (gnomAD no frequency). This variant has not been reported in the literature in individuals affected with AXIN2-related conditions. ClinVar contains an entry for this variant (Variation ID: 959442). Algorithms developed to predict the effect of sequence changes on RNA splicing suggest that this variant may create or strengthen a splice site. In summary, the available evidence is currently insufficient to determine the role of this variant in disease. Therefore, it has been classified as a Variant of Uncertain Significance.

NM_004655.4(AXIN2):c.1A>G (p.Met1Val)

Gene: AXIN2 (axin 2; minus strand). Cytogenetic location: 17q24.1.
Variant type: single nucleotide variant.
Coding change: c.1A>G on transcript NM_004655.4 (MANE Select); coding-DNA position 1, A replaced by G.
Protein change: p.Met1Val; changes the start codon (methionine 1).
Molecular consequence: missense variant, initiator codon variant.
Genome position (GRCh38, 1-based): chr17:65,558,620, T>C on the plus strand (A>G on the coding strand, the complement: AXIN2 is on the minus strand). VCF-style: chr17-65558620-T-C. GRCh37 (hg19) VCF-style: chr17-63554738-T-C.
Other names: c.1A>G, p.Met1Val (NM_001363813.1); short protein forms M1V.
Identifiers: ClinVar variation 959442 (VCV000959442.11), dbSNP rs1060502151, ClinGen allele CA400682526.
Genomic context (GRCh38, chr17:65,558,620, plus strand): 5'-CATCCTCACGGAAGCTGCTGCTGGGGTCCGGGAGGCAAGTCACCAACATAGCGCTACTCA[T>C]GGTGAGGGAGCTCTTCCCACTGAGTCTGGGAATTTTTCTTCTTCCAGTTCCTCTCAGCAA-3'
Protein context (NP_004646.3, residues 1-11): [Met1Val]SSAMLVTCLP